The following is an entry in ClinVar:

NM_001122630.2(CDKN1C):c.*117A>G

Gene: CDKN1C (cyclin dependent kinase inhibitor 1C; minus strand). Cytogenetic location: 11p15.4.
Variant type: single nucleotide variant.
Coding change: c.*117A>G on transcript NM_001122630.2 (MANE Select); 117 bases downstream of the stop codon, A replaced by G.
Molecular consequence: 3 prime UTR variant. On other transcripts: synonymous variant (1).
Genome position (GRCh38, 1-based): chr11:2,883,804, T>C on the plus strand (A>G on the coding strand, the complement: CDKN1C is on the minus strand). VCF-style: chr11-2883804-T-C. GRCh37 (hg19) VCF-style: chr11-2905034-T-C.
Other names: c.*117A>G (NM_000076.2); c.*112A>G (NM_001122631.2, NM_001362474.2); c.498A>G, p.Arg166= (NM_001362475.2).
Identifiers: ClinVar variation 4986961 (VCV004986961.1).

ClinVar aggregate classification (germline): Likely benign (1 of 4 stars; one submission).

Conditions:
CDKN1C-related disorder. Also called: CDKN1C-related condition.

Submission:

PreventionGenetics, part of Exact Sciences
Classification: Likely benign for CDKN1C-related condition. Last evaluated: 2026-02-07. Review status: criteria provided, single submitter. Criteria: ACMG Guidelines, 2015. Collection method: clinical testing. Allele origin: germline.
Comment: This variant is classified as likely benign based on ACMG/AMP sequence variant interpretation guidelines (Richards et al. 2015 PMID: 25741868, with internal and published modifications).